The following is an entry in ClinVar:

ClinVar aggregate classification (germline): Likely benign (1 of 4 stars; one submission).

gnomAD v4.1: 38 of 1,542,728 alleles (0.0025%); highest among the groups gnomAD compares: Non-Finnish European, 0.0031%; no homozygotes.

Submission:

Mayo Clinic Laboratories, Mayo Clinic
Classification: Likely benign. Last evaluated: 2024-09-11. Review status: criteria provided, single submitter. Criteria: ACMG Guidelines, 2015. Collection method: clinical testing. Allele origin: germline. Observed: 1 variant allele.
Comment: BP4, BP7

NM_000512.5(GALNS):c.1365-27C>T

Genes: GALNS (galactosamine (N-acetyl)-6-sulfatase; minus strand), LOC126862447 (CDK7 strongly-dependent group 2 enhancer GRCh37_chr16:88884193-88885392; plus strand). Cytogenetic location: 16q24.3.
Variant type: single nucleotide variant.
Coding change: c.1365-27C>T on transcript NM_000512.5 (MANE Select); 27 bases into the intron before coding-DNA position 1365, C replaced by T.
Molecular consequence: intron variant.
Genome position (GRCh38, 1-based): chr16:88,818,151, G>A on the plus strand (C>T on the coding strand, the complement: GALNS is on the minus strand). VCF-style: chr16-88818151-G-A. GRCh37 (hg19) VCF-style: chr16-88884559-G-A.
Other names: p.?; c.810-27C>T (NM_001323543.2); c.1383-27C>T (NM_001323544.2).
Identifiers: ClinVar variation 4684164 (VCV004684164.1).